The following is an entry in ClinVar:

NM_001282684.2(KCTD17):c.169G>A (p.Glu57Lys)

Gene: KCTD17 (potassium channel tetramerization domain containing 17; plus strand). Cytogenetic location: 22q12.3.
Variant type: single nucleotide variant.
Coding change: c.169G>A on transcript NM_001282684.2 (MANE Select); coding-DNA position 169, G replaced by A.
Protein change: p.Glu57Lys; replaces glutamic acid 57 with lysine.
Molecular consequence: missense variant.
Genome position (GRCh38, 1-based): chr22:37,051,929, G>A. VCF-style: chr22-37051929-G-A. GRCh37 (hg19) VCF-style: chr22-37447969-G-A.
Other names: c.169G>A, p.Glu57Lys (NM_001282685.2, NM_001282686.2, NM_024681.4); short protein forms E57K.
Identifiers: ClinVar variation 4762330 (VCV004762330.1).

ClinVar aggregate classification (germline): Uncertain significance (1 of 4 stars; one submission).

Conditions:
Myoclonic dystonia 26. Identifiers: MedGen C4225341, MONDO:0014620, OMIM 616398.

Submission:

Labcorp Genetics (formerly Invitae), Labcorp
Classification: Uncertain significance for Myoclonic dystonia 26. Last evaluated: 2025-05-20. Review status: criteria provided, single submitter. Criteria: Invitae Variant Classification Sherloc (09022015). Collection method: clinical testing. Allele origin: germline.
Comment: This sequence change replaces glutamic acid, which is acidic and polar, with lysine, which is basic and polar, at codon 64 of the KCTD17 protein (p.Glu64Lys). This variant is not present in population databases (gnomAD no frequency). This variant has not been reported in the literature in individuals affected with KCTD17-related conditions. Invitae Evidence Modeling of protein sequence and biophysical properties (such as structural, functional, and spatial information, amino acid conservation, physicochemical variation, residue mobility, and thermodynamic stability) indicates that this missense variant is not expected to disrupt KCTD17 protein function with a negative predictive value of 80%. In summary, the available evidence is currently insufficient to determine the role of this variant in disease. Therefore, it has been classified as a Variant of Uncertain Significance.